The following is an entry in ClinVar:

ClinVar aggregate classification (germline): Pathogenic (1 of 4 stars; one submission).

Conditions:
Lynch syndrome 5 (LYNCH5). Also called: Colorectal cancer, hereditary nonpolyposis, type 5; Hereditary non-polyposis colorectal cancer, type 5. Identifiers: Orphanet 144, MedGen C1833477, MONDO:0013710, OMIM 614350. Disease mechanism: loss of function.

Submission:

Myriad Genetics, Inc.
Classification: Pathogenic for Lynch syndrome 5. Last evaluated: 2023-08-28. Review status: criteria provided, single submitter. Criteria: Myriad Autosomal Dominant, Autosomal Recessive and X-Linked Classification Criteria (2023). Collection method: clinical testing. Allele origin: unknown.
Comment: This variant is considered pathogenic. This variant creates a termination codon and is predicted to result in premature protein truncation.

NM_000179.3(MSH6):c.3894T>A (p.Tyr1298Ter)

Gene: MSH6 (mutS homolog 6; plus strand). Cytogenetic location: 2p16.3.
Variant type: single nucleotide variant.
Coding change: c.3894T>A on transcript NM_000179.3 (MANE Select); coding-DNA position 3894, T replaced by A.
Protein change: p.Tyr1298Ter; replaces tyrosine 1298 with a stop codon.
Molecular consequence: nonsense. On other transcripts: missense variant (1), non-coding transcript variant (5), intron variant (1).
Genome position (GRCh38, 1-based): chr2:47,806,544, T>A. VCF-style: chr2-47806544-T-A. GRCh37 (hg19) VCF-style: chr2-48033683-T-A.
Other names: c.3504T>A, p.Tyr1168Ter (NM_001281492.2); c.2988T>A, p.Tyr996Ter (NM_001281493.2, NM_001281494.2, NM_001406811.1 and 6 more transcripts); c.3990T>A, p.Tyr1330Ter (NM_001406795.1); c.3894T>A, p.Tyr1298Ter (NM_001406796.1, NM_001406808.1, NM_001406809.1); c.3597T>A, p.Tyr1199Ter (NM_001406797.1, NM_001406801.1, NM_001406805.1 and 10 more transcripts); c.3720T>A, p.Tyr1240Ter (NM_001406798.1); c.3369T>A, p.Tyr1123Ter (NM_001406799.1, NM_001406806.1, NM_001406807.1); c.3881T>A, p.Met1294Lys (NM_001406800.1); and 9 more; short protein forms M1294K, Y1010*, Y1123*, Y1168*, Y1199*, Y1240*, Y1242*, Y1272*.
Identifiers: ClinVar variation 2673617 (VCV002673617.1), dbSNP rs1348836250, ClinGen allele CA346761405.